The following is an entry in ClinVar:

ClinVar aggregate classification (germline): Benign/Likely benign. Review status: criteria provided, multiple submitters, no conflicts (2 of 4 stars). 6 submissions from 6 submitters: Benign (2); Likely benign (4). Last evaluated 2026-02-01.

Conditions:
Inborn genetic diseases. Identifiers: MedGen C0950123, MeSH D030342.
Landau-Kleffner syndrome (FESD). Also called: EPILEPSY, FOCAL, WITH SPEECH DISORDER AND WITH OR WITHOUT MENTAL RETARDATION; APHASIA, ACQUIRED, WITH EPILEPSY. Identifiers: Orphanet 1945, Orphanet 725, Orphanet 98818, MedGen C0282512, MONDO:0009509, OMIM 245570.

Allele frequency attached by ClinVar (database versions not stated): ESP Exome Variant Server 0.00023; TOPMed 0.00023; ExAC 0.00028; gnomAD exomes 0.00029 and 0.00064; gnomAD 0.00030.
gnomAD v4.1: 967 of 1,613,944 alleles (0.06%); highest among the groups gnomAD compares: Non-Finnish European, 0.078%; 1 homozygote.

Submissions (6):

CeGaT Center for Human Genetics Tuebingen
Classification: Likely benign. Last evaluated: 2026-02-01. Review status: criteria provided, single submitter. Criteria: CeGaT Center For Human Genetics Tuebingen Variant Classification Criteria Version 2. Collection method: clinical testing. Allele origin: germline. Affected: yes. Observed: 12 variant alleles.
Comment: GRIN2A: BP4, BP7

Labcorp Genetics (formerly Invitae), Labcorp
Classification: Likely benign for Landau-Kleffner syndrome. Last evaluated: 2026-01-26. Review status: criteria provided, single submitter. Criteria: Invitae Variant Classification Sherloc (09022015). Collection method: clinical testing. Allele origin: germline.

Blueprint Genetics
Classification: Likely benign. Last evaluated: 2024-10-09. Review status: criteria provided, single submitter. Criteria: ACMG Guidelines, 2015. Collection method: clinical testing. Allele origin: germline.

Illumina Laboratory Services, Illumina
Classification: Benign for Landau-Kleffner syndrome. Last evaluated: 2018-01-13. Review status: criteria provided, single submitter. Criteria: ICSL Variant Classification Criteria 13 December 2019. Collection method: clinical testing. Allele origin: germline.
Comment: This variant was observed in the ICSL laboratory as part of a predisposition screen in an ostensibly healthy population. It had not been previously curated by ICSL or reported in the Human Gene Mutation Database (HGMD: prior to June 1st, 2018), and was therefore a candidate for classification through an automated scoring system. Utilizing variant allele frequency, disease prevalence and penetrance estimates, and inheritance mode, an automated score was calculated to assess if this variant is too frequent to cause the disease. Based on the score and internal cut-off values, a variant classified as benign is not then subjected to further curation. The score for this variant resulted in a classification of benign for this disease.

Ambry Genetics
Classification: Likely benign for Inborn genetic diseases. Last evaluated: 2016-07-05. Review status: criteria provided, single submitter. Criteria: Ambry Variant Classification Scheme 2023. Collection method: clinical testing. Allele origin: germline.

GeneDx
Classification: Benign. Last evaluated: 2014-10-24. Review status: criteria provided, single submitter. Criteria: GeneDx Variant Classification (06012015). Collection method: clinical testing. Allele origin: germline. Affected: yes.
Comment: This variant is considered likely benign or benign based on one or more of the following criteria: it is a conservative change, it occurs at a poorly conserved position in the protein, it is predicted to be benign by multiple in silico algorithms, and/or has population frequency not consistent with disease.

NM_001134407.3(GRIN2A):c.939C>T (p.Ile313=)

Gene: GRIN2A (glutamate ionotropic receptor NMDA type subunit 2A; minus strand). Cytogenetic location: 16p13.2.
Variant type: single nucleotide variant.
Coding change: c.939C>T on transcript NM_001134407.3 (MANE Select); coding-DNA position 939, C replaced by T.
Protein change: p.Ile313=; no amino-acid change (isoleucine 313 retained).
Molecular consequence: synonymous variant.
Genome position (GRCh38, 1-based): chr16:9,938,027, G>A on the plus strand (C>T on the coding strand, the complement: GRIN2A is on the minus strand). VCF-style: chr16-9938027-G-A. GRCh37 (hg19) VCF-style: chr16-10031884-G-A.
Other names: p.I313I:ATC>ATT; c.939C>T, p.Ile313= (NM_000833.5, NM_001134408.2).
Identifiers: ClinVar variation 205639 (VCV000205639.60), dbSNP rs146867324, ClinGen allele CA314916.